The following is an entry in ClinVar:

ClinVar aggregate classification (germline): Uncertain significance. Review status: criteria provided, multiple submitters, no conflicts (2 of 4 stars). 2 submissions from 2 submitters: Uncertain significance (2). Last evaluated 2025-02-22.

Conditions:
Inborn genetic diseases. Identifiers: MedGen C0950123, MeSH D030342.

Allele frequency attached by ClinVar (database versions not stated): gnomAD exomes below 0.00001 and 0.00001; ExAC 0.00002.
gnomAD v4.1: 11 of 1,596,070 alleles (0.00069%); highest among the groups gnomAD compares: African/African-American, 0.0068%; no homozygotes.

Submissions (2):

Ambry Genetics
Classification: Uncertain significance for Inborn genetic diseases. Last evaluated: 2025-02-22. Review status: criteria provided, single submitter. Criteria: Ambry Variant Classification Scheme 2023. Collection method: clinical testing. Allele origin: germline.

Labcorp Genetics (formerly Invitae), Labcorp
Classification: Uncertain significance. Last evaluated: 2024-05-15. Review status: criteria provided, single submitter. Criteria: Invitae Variant Classification Sherloc (09022015). Collection method: clinical testing. Allele origin: germline.
Comment: This sequence change replaces isoleucine, which is neutral and non-polar, with valine, which is neutral and non-polar, at codon 322 of the TBCK protein (p.Ile322Val). This variant is present in population databases (rs777954236, gnomAD 0.01%). This variant has not been reported in the literature in individuals affected with TBCK-related conditions. ClinVar contains an entry for this variant (Variation ID: 1430554). Advanced modeling of protein sequence and biophysical properties (such as structural, functional, and spatial information, amino acid conservation, physicochemical variation, residue mobility, and thermodynamic stability) performed at Invitae indicates that this missense variant is not expected to disrupt TBCK protein function with a negative predictive value of 80%. In summary, the available evidence is currently insufficient to determine the role of this variant in disease. Therefore, it has been classified as a Variant of Uncertain Significance.

NM_001163435.3(TBCK):c.964A>G (p.Ile322Val)

Gene: TBCK (TBC1 domain containing kinase; minus strand). Cytogenetic location: 4q24.
Variant type: single nucleotide variant.
Coding change: c.964A>G on transcript NM_001163435.3 (MANE Select); coding-DNA position 964, A replaced by G.
Protein change: p.Ile322Val; replaces isoleucine 322 with valine.
Molecular consequence: missense variant.
Genome position (GRCh38, 1-based): chr4:106,244,732, T>C on the plus strand (A>G on the coding strand, the complement: TBCK is on the minus strand). VCF-style: chr4-106244732-T-C. GRCh37 (hg19) VCF-style: chr4-107165889-T-C.
Other names: c.964A>G, p.Ile322Val (NM_001163436.4); c.847A>G, p.Ile283Val (NM_001163437.3); c.448A>G, p.Ile150Val (NM_001290768.2); c.775A>G, p.Ile259Val (NM_033115.5); c.964A>G (NM_001163435.1); short protein forms I259V, I322V, I150V, I283V.
Identifiers: ClinVar variation 1430554 (VCV001430554.9), dbSNP rs777954236, ClinGen allele CA3035226.
Genomic context (GRCh38, chr4:106,244,732, plus strand): 5'-TGACAAGCTCTTTCTCCAAGTCACCTCCAGCCAAACACCAAAGGTAATACACTTCTTCAA[T>C]AGATCTTTCTGCCAGGTAATCATTATTTATATCTATTAAAAGCAAATTTAAGGAATCATT-3'
Protein context (NP_001156907.2, residues 312-332): INNDYLAERS[Ile322Val]EEVYYLWCLA